The following is an entry in ClinVar:

NC_000010.10:g.(?_14987084)_(14996009_?)del

Gene: DCLRE1C (DNA cross-link repair 1C; minus strand). Cytogenetic location: 10p13.
Variant type: Deletion.
Identifiers: ClinVar variation 3244867 (VCV003244867.1).

ClinVar aggregate classification (germline): Pathogenic (1 of 4 stars; one submission).

Conditions:
Severe combined immunodeficiency due to DCLRE1C deficiency (RS-SCID). Also called: SCID, AUTOSOMAL RECESSIVE, T CELL-NEGATIVE, B CELL-NEGATIVE, NK CELL-POSITIVE, WITH SENSITIVITY TO IONIZING RADIATION. Identifiers: Orphanet 275, MedGen C1865371, MONDO:0011225, OMIM 602450.

Submission:

Labcorp Genetics (formerly Invitae), Labcorp
Classification: Pathogenic for Athabaskan severe combined immunodeficiency. Last evaluated: 2024-01-29. Review status: criteria provided, single submitter. Criteria: Invitae Variant Classification Sherloc (09022015). Collection method: clinical testing. Allele origin: unknown.
Comment: This variant is a gross deletion of the genomic region encompassing exon(s) 1-3 of the DCLRE1C gene, which includes the initiator codon. This deletion extends beyond the assayed region for this gene and therefore may encompass additional genes. It is expected to result in an absent or disrupted protein product. Loss-of-function variants in DCLRE1C are known to be pathogenic (PMID: 21664875, 26123418). A similar copy number variant has been observed in individuals with severe combined immunodeficiency (SCID) or Omenn syndrome (OS) (PMID: 19912631). For these reasons, this variant has been classified as Pathogenic.

Literature cited by the submitters: PubMed 21664875; PubMed 26123418; PubMed 19912631.